The following is an entry in ClinVar:

ClinVar aggregate classification (germline): Pathogenic. Review status: criteria provided, multiple submitters, no conflicts (2 of 4 stars). 2 submissions from 2 submitters: Pathogenic (2). Last evaluated 2025-10-16.

Conditions:
Joubert syndrome 3 (JBTS3). Also called: AHI1-related Ciliopathy. Identifiers: Orphanet 220493, MedGen C1837713, MONDO:0012078, OMIM 608629.
Joubert syndrome. Also called: JOUBERT-BOLTSHAUSER SYNDROME; Familial aplasia of the vermis. Identifiers: Orphanet 475, MedGen C5979921, MONDO:0018772.

gnomAD v4.1: 4 of 1,613,852 alleles (0.00025%); highest among the groups gnomAD compares: Admixed American, 0.0067%; no homozygotes.

Submissions (2):

Labcorp Genetics (formerly Invitae), Labcorp
Classification: Pathogenic for Joubert syndrome. Last evaluated: 2025-10-16. Review status: criteria provided, single submitter. Criteria: Invitae Variant Classification Sherloc (09022015). Collection method: clinical testing. Allele origin: germline.
Comment: This sequence change creates a premature translational stop signal (p.Tyr192*) in the AHI1 gene. It is expected to result in an absent or disrupted protein product. Loss-of-function variants in AHI1 are known to be pathogenic (PMID: 15322546, 16453322, 28442542, 29186038). This variant is present in population databases (rs770911013, gnomAD 0.01%). This variant has not been reported in the literature in individuals affected with AHI1-related conditions. ClinVar contains an entry for this variant (Variation ID: 3701670). For these reasons, this variant has been classified as Pathogenic.

Myriad Genetics, Inc.
Classification: Pathogenic for Joubert syndrome 3. Last evaluated: 2024-05-18. Review status: criteria provided, single submitter. Criteria: Myriad Autosomal Dominant, Autosomal Recessive and X-Linked Classification Criteria (2023). Collection method: clinical testing. Allele origin: unknown.
Comment: NM_001134831.1(AHI1):c.576T>A(Y192*) is expected to be pathogenic in the context of Joubert syndrome, AHI1-related. This variant is predicted to lead to an abnormal or absent protein product due to the creation of a premature termination codon in AHI1, a gene where loss-of-function variants are known to be pathogenic. Please note: this variant was assessed in the context of healthy population screening.

Literature cited by the submitters: PubMed 15322546 (cited by Labcorp Genetics (formerly Invitae), Labcorp); PubMed 16453322 (cited by Labcorp Genetics (formerly Invitae), Labcorp); PubMed 28442542 (cited by Labcorp Genetics (formerly Invitae), Labcorp); PubMed 29186038 (cited by Labcorp Genetics (formerly Invitae), Labcorp).

NM_001134831.2(AHI1):c.576T>A (p.Tyr192Ter)

Gene: AHI1 (Abelson helper integration site 1; minus strand). Cytogenetic location: 6q23.3.
Variant type: single nucleotide variant.
Coding change: c.576T>A on transcript NM_001134831.2 (MANE Select); coding-DNA position 576, T replaced by A.
Protein change: p.Tyr192Ter; replaces tyrosine 192 with a stop codon.
Molecular consequence: nonsense.
Genome position (GRCh38, 1-based): chr6:135,465,987, A>T on the plus strand (T>A on the coding strand, the complement: AHI1 is on the minus strand). VCF-style: chr6-135465987-A-T. GRCh37 (hg19) VCF-style: chr6-135787125-A-T.
Other names: c.576T>A, p.Tyr192Ter (NM_001134830.2, NM_001134832.2, NM_001350503.2 and 2 more transcripts); short protein forms Y192*.
Identifiers: ClinVar variation 3701670 (VCV003701670.3).
Genomic context (GRCh38, chr6:135,465,987, plus strand): 5'-CAGTTTCTTTCTTATTTTCCTCTTAATCTCCTTTGCCATTTCTTCAGTTACATGGCACTG[A>T]TATGCTTGCATCAATTCTTCATCCTCTTCTAAATCAGTCTCTTCTCTTCCCTCATTTGCC-3'